The following is an entry in ClinVar:

ClinVar aggregate classification (germline): Uncertain significance. Review status: criteria provided, multiple submitters, no conflicts (2 of 4 stars). 3 submissions from 3 submitters: Uncertain significance (3). Last evaluated 2025-05-06.

Conditions:
Inborn genetic diseases. Identifiers: MedGen C0950123, MeSH D030342.

Allele frequency attached by ClinVar (database versions not stated): gnomAD exomes 0.00003 and 0.00002; gnomAD 0.00001; TOPMed 0.00001; ExAC 0.00003.
gnomAD v4.1: 24 of 1,613,660 alleles (0.0015%); highest among the groups gnomAD compares: Admixed American, 0.013%; no homozygotes.

Submissions (3):

GeneDx
Classification: Uncertain significance. Last evaluated: 2025-05-06. Review status: criteria provided, single submitter. Criteria: GeneDx Variant Classification Process June 2021. Collection method: clinical testing. Allele origin: germline. Affected: yes.
Comment: In silico analysis suggests that this missense variant does not alter protein structure/function; Has not been previously published as pathogenic or benign to our knowledge

Ambry Genetics
Classification: Uncertain significance for Inborn genetic diseases. Last evaluated: 2024-10-12. Review status: criteria provided, single submitter. Criteria: Ambry Variant Classification Scheme 2023. Collection method: clinical testing. Allele origin: germline.

Labcorp Genetics (formerly Invitae), Labcorp
Classification: Uncertain significance. Last evaluated: 2022-08-16. Review status: criteria provided, single submitter. Criteria: Invitae Variant Classification Sherloc (09022015). Collection method: clinical testing. Allele origin: germline.
Comment: This sequence change replaces alanine, which is neutral and non-polar, with valine, which is neutral and non-polar, at codon 884 of the MCM3AP protein (p.Ala884Val). This variant is present in population databases (rs758882933, gnomAD 0.02%). This variant has not been reported in the literature in individuals affected with MCM3AP-related conditions. ClinVar contains an entry for this variant (Variation ID: 1424391). Algorithms developed to predict the effect of missense changes on protein structure and function are either unavailable or do not agree on the potential impact of this missense change (SIFT: "Tolerated"; PolyPhen-2: "Probably Damaging"; Align-GVGD: "Class C0"). In summary, the available evidence is currently insufficient to determine the role of this variant in disease. Therefore, it has been classified as a Variant of Uncertain Significance.

NM_003906.5(MCM3AP):c.2651C>T (p.Ala884Val)

Gene: MCM3AP (minichromosome maintenance complex component 3 associated protein; minus strand). Cytogenetic location: 21q22.3.
Variant type: single nucleotide variant.
Coding change: c.2651C>T on transcript NM_003906.5 (MANE Select); coding-DNA position 2651, C replaced by T.
Protein change: p.Ala884Val; replaces alanine 884 with valine.
Molecular consequence: missense variant.
Genome position (GRCh38, 1-based): chr21:46,267,120, G>A on the plus strand (C>T on the coding strand, the complement: MCM3AP is on the minus strand). VCF-style: chr21-46267120-G-A. GRCh37 (hg19) VCF-style: chr21-47687034-G-A.
Other names: c.2651C>T (NM_003906.3, NM_003906.4); short protein forms A884V.
Identifiers: ClinVar variation 1424391 (VCV001424391.5), dbSNP rs758882933, ClinGen allele CA10076776.
Genomic context (GRCh38, chr21:46,267,120, plus strand): 5'-ACACCATCCAGGGGAAAGATGGTAGATCGCTGTGTGCTCACCGTGTACGCAAAGTTGAGC[G>A]CCCGGAGAGCATCCTTGCGGATCTGAGAGGAGGAGCGAAATCACTGCAGTCTCAGACGAA-3'
Protein context (NP_003897.2, residues 874-894): FSQIRKDALR[Ala884Val]LNFAYTVSTQ